The following is an entry in ClinVar:

ClinVar aggregate classification (germline): Uncertain significance. Review status: criteria provided, multiple submitters, no conflicts (2 of 4 stars). 2 submissions from 2 submitters: Uncertain significance (2). Last evaluated 2024-11-19.

Conditions:
Cardiovascular phenotype. Identifiers: MedGen CN230736.
Desmin-related myofibrillar myopathy (MFM1). Also called: Desminopathy; DESMIN-RELATED MYOPATHY WITH ARRHYTHMOGENIC RIGHT VENTRICULAR CARDIOMYOPATHY; MYOFIBRILLAR MYOPATHY WITH ARRHYTHMOGENIC RIGHT VENTRICULAR CARDIOMYOPATHY; Desmin related myopathy (former name); Desmin storage myopathy (former name); Myofibrillar myopathy 1. Identifiers: Orphanet 363543, Orphanet 98909, MedGen C1832370, MONDO:0011076, OMIM 601419.

Allele frequency attached by ClinVar (database versions not stated): TOPMed below 0.00001.
gnomAD v4.1: 2 of 1,614,226 alleles (0.00012%); highest among the groups gnomAD compares: Non-Finnish European, 0.000085%; no homozygotes.

Submissions (2):

Labcorp Genetics (formerly Invitae), Labcorp
Classification: Uncertain significance for Desmin-related myofibrillar myopathy. Last evaluated: 2024-11-19. Review status: criteria provided, single submitter. Criteria: Invitae Variant Classification Sherloc (09022015). Collection method: clinical testing. Allele origin: germline.
Comment: This sequence change replaces leucine, which is neutral and non-polar, with valine, which is neutral and non-polar, at codon 220 of the DES protein (p.Leu220Val). This variant is not present in population databases (gnomAD no frequency). This variant has not been reported in the literature in individuals affected with DES-related conditions. ClinVar contains an entry for this variant (Variation ID: 2296841). Invitae Evidence Modeling of protein sequence and biophysical properties (such as structural, functional, and spatial information, amino acid conservation, physicochemical variation, residue mobility, and thermodynamic stability) has been performed for this missense variant. However, the output from this modeling did not meet the statistical confidence thresholds required to predict the impact of this variant on DES protein function. In summary, the available evidence is currently insufficient to determine the role of this variant in disease. Therefore, it has been classified as a Variant of Uncertain Significance.

Ambry Genetics
Classification: Uncertain significance for Cardiovascular phenotype. Last evaluated: 2022-06-24. Review status: criteria provided, single submitter. Criteria: Ambry Variant Classification Scheme 2023. Collection method: clinical testing. Allele origin: germline.

NM_001927.4(DES):c.658C>G (p.Leu220Val)

Gene: DES (desmin; plus strand). Cytogenetic location: 2q35.
Variant type: single nucleotide variant.
Coding change: c.658C>G on transcript NM_001927.4 (MANE Select); coding-DNA position 658, C replaced by G.
Protein change: p.Leu220Val; replaces leucine 220 with valine.
Molecular consequence: missense variant. On other transcripts: intron variant (1).
Genome position (GRCh38, 1-based): chr2:219,420,269, C>G. VCF-style: chr2-219420269-C-G. GRCh37 (hg19) VCF-style: chr2-220284991-C-G.
Other names: c.655C>G, p.Leu219Val (NM_001382708.1); c.658C>G, p.Leu220Val (NM_001382709.1, NM_001382710.1, NM_001382711.1 and 1 more transcripts); c.496-256C>G (NM_001382713.1); short protein forms L220V, L219V.
Identifiers: ClinVar variation 2296841 (VCV002296841.4), dbSNP rs1441425291, ClinGen allele CA350690255.